The following is an entry in ClinVar:

ClinVar aggregate classification (germline): Pathogenic (1 of 4 stars; one submission).

Conditions:
Koolen-de Vries syndrome (KDVS). Identifiers: Orphanet 96169, MedGen C1864871, MONDO:0012496, OMIM 610443.

Submission:

Centre for Medical Genetics,  Mumbai
Classification: Pathogenic for Koolen-de Vries syndrome. Last evaluated: 2026-03-06. Review status: criteria provided, single submitter. Criteria: ACMG Guidelines, 2015. Collection method: provider interpretation. Allele origin: de novo. Inheritance: Autosomal dominant inheritance. Affected: yes. Observed: 1 variant allele, 1 heterozygote.
Comment: The variant satisfies the following ACMG criteria - PVS1 null variant in a gene where loss of function is a known mechanism of disease; PM2- absent in the gnomAD database; PS2- De novo (both maternity and paternity confirmed) in a patient with the disease and no family history

Literature cited by the submitters: PubMed 22544363.

NM_015443.4(KANSL1):c.2393-1G>A

Gene: KANSL1 (KAT8 regulatory NSL complex subunit 1). Cytogenetic location: 17q21.31.
Variant type: single nucleotide variant.
Coding change: c.2393-1G>A on transcript NM_015443.4 (MANE Select); the canonical splice acceptor site of the intron before coding-DNA position 2393, G replaced by A.
Molecular consequence: splice acceptor variant.
Genome position (GRCh38, 1-based): chr17:46,038,687, C>T on the plus strand (G>A on the coding strand, the complement: KANSL1 is on the minus strand). VCF-style: chr17-46038687-C-T. GRCh37 (hg19) VCF-style: chr17-44116053-C-T.
Other names: c.938-1G>A (NM_001405885.1, NM_001405884.1); c.1127-1G>A (NM_001405883.1, NM_001405882.1); c.2291-1G>A (NM_001405881.1, NM_001405861.1, NM_001405859.1 and 1 more transcripts); c.2204-1G>A (NM_001405879.1, NM_001405875.1, NM_001405878.1 and 3 more transcripts); c.2393-1G>A (NM_001193465.2, NM_001405872.1, NM_001379198.1 and 8 more transcripts).
Identifiers: ClinVar variation 4852287 (VCV004852287.1).
Genomic context (GRCh38, chr17:46,038,687, plus strand): 5'-GAGGATGGTGGGTGGCTGCCAAGTAGCTCGAACTGCTCATGTCTGTGTGATGCTTCAACA[C>T]TGCAGAAGTCAACAGAAAAGAGAGAAATACATGGCTATCTTAACCAGCGTTACTTCTAAC-3'